The following is an entry in ClinVar:

NM_017934.7(PHIP):c.1087T>C (p.Phe363Leu)

Gene: PHIP (PHIP subunit of CUL4-Ring ligase complex; minus strand). Cytogenetic location: 6q14.1.
Variant type: single nucleotide variant.
Coding change: c.1087T>C on transcript NM_017934.7 (MANE Select); coding-DNA position 1087, T replaced by C.
Protein change: p.Phe363Leu; replaces phenylalanine 363 with leucine.
Molecular consequence: missense variant.
Genome position (GRCh38, 1-based): chr6:79,017,491, A>G on the plus strand (T>C on the coding strand, the complement: PHIP is on the minus strand). VCF-style: chr6-79017491-A-G. GRCh37 (hg19) VCF-style: chr6-79727208-A-G.
Other names: short protein forms F363L.
Identifiers: ClinVar variation 2857245 (VCV002857245.3), dbSNP rs2482145786, ClinGen allele CA364635853.

ClinVar aggregate classification (germline): Uncertain significance (1 of 4 stars; one submission).

Submission:

Labcorp Genetics (formerly Invitae), Labcorp
Classification: Uncertain significance. Last evaluated: 2023-04-18. Review status: criteria provided, single submitter. Criteria: Invitae Variant Classification Sherloc (09022015). Collection method: clinical testing. Allele origin: germline.
Comment: In summary, the available evidence is currently insufficient to determine the role of this variant in disease. Therefore, it has been classified as a Variant of Uncertain Significance. Advanced modeling of protein sequence and biophysical properties (such as structural, functional, and spatial information, amino acid conservation, physicochemical variation, residue mobility, and thermodynamic stability) performed at Invitae indicates that this missense variant is not expected to disrupt PHIP protein function. This variant has not been reported in the literature in individuals affected with PHIP-related conditions. This variant is not present in population databases (gnomAD no frequency). This sequence change replaces phenylalanine, which is neutral and non-polar, with leucine, which is neutral and non-polar, at codon 363 of the PHIP protein (p.Phe363Leu).